The following is an entry in ClinVar:

NM_001734.5(C1S):c.380A>G (p.Tyr127Cys)

Gene: C1S (complement C1s; plus strand). Cytogenetic location: 12p13.31.
Variant type: single nucleotide variant.
Coding change: c.380A>G on transcript NM_001734.5 (MANE Select); coding-DNA position 380, A replaced by G.
Protein change: p.Tyr127Cys; replaces tyrosine 127 with cysteine.
Molecular consequence: missense variant. On other transcripts: 5 prime UTR variant (1).
Genome position (GRCh38, 1-based): chr12:7,063,056, A>G. VCF-style: chr12-7063056-A-G. GRCh37 (hg19) VCF-style: chr12-7170360-A-G.
Other names: c.-122A>G (NM_001346850.2); c.380A>G, p.Tyr127Cys (NM_201442.4); short protein forms Y127C.
Identifiers: ClinVar variation 2573069 (VCV002573069.3), dbSNP rs908048888, ClinGen allele CA232451309.

ClinVar aggregate classification (germline): Uncertain significance. Review status: criteria provided, multiple submitters, no conflicts (2 of 4 stars). 2 submissions from 2 submitters: Uncertain significance (2). Last evaluated 2025-06-08.

Conditions:
Ehlers-Danlos syndrome, periodontal type 2. Identifiers: MedGen C4310681, MONDO:0014954, OMIM 617174.

Allele frequency attached by ClinVar (database versions not stated): gnomAD exomes below 0.00001; TOPMed 0.00001; gnomAD 0.00001.
gnomAD v4.1: 5 of 1,613,238 alleles (0.00031%); highest among the groups gnomAD compares: Non-Finnish European, 0.00034%; no homozygotes.

Submissions (2):

Labcorp Genetics (formerly Invitae), Labcorp
Classification: Uncertain significance. Last evaluated: 2025-06-08. Review status: criteria provided, single submitter. Criteria: Invitae Variant Classification Sherloc (09022015). Collection method: clinical testing. Allele origin: germline.
Comment: This sequence change replaces tyrosine, which is neutral and polar, with cysteine, which is neutral and slightly polar, at codon 127 of the C1S protein (p.Tyr127Cys). This variant is not present in population databases (gnomAD no frequency). This variant has not been reported in the literature in individuals affected with C1S-related conditions. ClinVar contains an entry for this variant (Variation ID: 2573069). Invitae Evidence Modeling of protein sequence and biophysical properties (such as structural, functional, and spatial information, amino acid conservation, physicochemical variation, residue mobility, and thermodynamic stability) indicates that this missense variant is expected to disrupt C1S protein function with a positive predictive value of 80%. In summary, the available evidence is currently insufficient to determine the role of this variant in disease. Therefore, it has been classified as a Variant of Uncertain Significance.

MVZ Martinsried, Medicover Genetics
Classification: Uncertain significance for Ehlers-Danlos syndrome, periodontal type 2. Last evaluated: 2023-05-04. Review status: criteria provided, single submitter. Criteria: ACGS Guidelines, 2020. Collection method: clinical testing. Allele origin: unknown. Affected: yes.